The following is an entry in ClinVar:

NM_001184.4(ATR):c.3451-12T>G

Gene: ATR (ATR checkpoint kinase; minus strand). Cytogenetic location: 3q23.
Variant type: single nucleotide variant.
Coding change: c.3451-12T>G on transcript NM_001184.4 (MANE Select); 12 bases into the intron before coding-DNA position 3451, T replaced by G.
Molecular consequence: intron variant.
Genome position (GRCh38, 1-based): chr3:142,541,046, A>C on the plus strand (T>G on the coding strand, the complement: ATR is on the minus strand). VCF-style: chr3-142541046-A-C. GRCh37 (hg19) VCF-style: chr3-142259888-A-C.
Other names: c.3259-12T>G (NM_001354579.2).
Identifiers: ClinVar variation 1969295 (VCV001969295.3), dbSNP rs373481346, ClinGen allele CA2650095.
Genomic context (GRCh38, chr3:142,541,046, plus strand): 5'-CATGTTTGGGTCCCATTAACTTCATCAAAGACATCAAACTGTTCAAGGCCTATAGAGTTA[A>C]GTAGTGCTTCAGAGTAAAGCTTATAAACATGCTGCCAGAAGCAGATGAGCCCTAAGGACA-3'

ClinVar aggregate classification (germline): Uncertain significance (1 of 4 stars; one submission).

Allele frequency attached by ClinVar (database versions not stated): ExAC 0.00001; gnomAD exomes 0.00002; gnomAD 0.00014; ESP Exome Variant Server 0.00015; TOPMed 0.00015.
gnomAD v4.1: 43 of 1,613,274 alleles (0.0027%); highest among the groups gnomAD compares: African/African-American, 0.051%; no homozygotes.

Submission:

Labcorp Genetics (formerly Invitae), Labcorp
Classification: Uncertain significance. Last evaluated: 2024-12-25. Review status: criteria provided, single submitter. Criteria: Invitae Variant Classification Sherloc (09022015). Collection method: clinical testing. Allele origin: germline.
Comment: This sequence change falls in intron 17 of the ATR gene. It does not directly change the encoded amino acid sequence of the ATR protein. This variant is present in population databases (rs373481346, gnomAD 0.03%). This variant has not been reported in the literature in individuals affected with ATR-related conditions. ClinVar contains an entry for this variant (Variation ID: 1969295). Algorithms developed to predict the effect of sequence changes on RNA splicing suggest that this variant may disrupt the consensus splice site. In summary, the available evidence is currently insufficient to determine the role of this variant in disease. Therefore, it has been classified as a Variant of Uncertain Significance.